The following is an entry in ClinVar:

NM_018474.6(KIZ):c.1275T>C (p.Thr425=)

Gene: KIZ (kizuna centrosomal protein; plus strand). Cytogenetic location: 20p11.23.
Variant type: single nucleotide variant.
Coding change: c.1275T>C on transcript NM_018474.6 (MANE Select); coding-DNA position 1275, T replaced by C.
Protein change: p.Thr425=; no amino-acid change (threonine 425 retained).
Molecular consequence: synonymous variant.
Genome position (GRCh38, 1-based): chr20:21,163,082, T>C. VCF-style: chr20-21163082-T-C. GRCh37 (hg19) VCF-style: chr20-21143723-T-C.
Other names: c.1275T>C (NM_018474.5); c.966T>C, p.Thr322= (NM_001163022.3, NM_001352435.2); c.876T>C, p.Thr292= (NM_001163023.3); c.1128T>C, p.Thr376= (NM_001276389.2); c.1275T>C, p.Thr425= (NM_001352434.2); c.933T>C, p.Thr311= (NM_001352436.2).
Identifiers: ClinVar variation 1578136 (VCV001578136.10), dbSNP rs770189707, ClinGen allele CA9784803.

ClinVar aggregate classification (germline): Likely benign. Review status: criteria provided, single submitter (1 of 4 stars). 2 submissions from 2 submitters: Likely benign (1). 1 of the submissions does not count toward it. Last evaluated 2025-06-17.

Conditions:
KIZ-related disorder. Also called: KIZ-related condition.

Allele frequency attached by ClinVar (database versions not stated): ExAC 0.00001; gnomAD 0.00001; TOPMed 0.00001.
gnomAD v4.1: 31 of 1,613,574 alleles (0.0019%); highest among the groups gnomAD compares: East Asian, 0.013%; no homozygotes.

Submissions (2):

Labcorp Genetics (formerly Invitae), Labcorp
Classification: Likely benign. Last evaluated: 2025-06-17. Review status: criteria provided, single submitter. Criteria: Invitae Variant Classification Sherloc (09022015). Collection method: clinical testing. Allele origin: germline.

PreventionGenetics, part of Exact Sciences
Classification: Likely benign for KIZ-related condition. Last evaluated: 2019-08-29. Review status: no assertion criteria provided. Collection method: clinical testing. Allele origin: germline. Not counted in ClinVar's aggregate classification.
Comment: This variant is classified as likely benign based on ACMG/AMP sequence variant interpretation guidelines (Richards et al. 2015 PMID: 25741868, with internal and published modifications).